The following is an entry in ClinVar:

NM_000051.4(ATM):c.539A>G (p.Gln180Arg)

Gene: ATM (ATM serine/threonine kinase; plus strand). Cytogenetic location: 11q22.3.
Variant type: single nucleotide variant.
Coding change: c.539A>G on transcript NM_000051.4 (MANE Select); coding-DNA position 539, A replaced by G.
Protein change: p.Gln180Arg; replaces glutamine 180 with arginine.
Molecular consequence: missense variant.
Genome position (GRCh38, 1-based): chr11:108,243,995, A>G. VCF-style: chr11-108243995-A-G. GRCh37 (hg19) VCF-style: chr11-108114722-A-G.
Other names: p.Q180R:CAA>CGA; c.539A>G, p.Gln180Arg (NM_001351834.2); short protein forms Q180R.
Identifiers: ClinVar variation 181911 (VCV000181911.26), dbSNP rs730881334, ClinGen allele CA298117.

ClinVar aggregate classification (germline): Uncertain significance. Review status: criteria provided, multiple submitters, no conflicts (2 of 4 stars). 6 submissions from 6 submitters: Uncertain significance (5). 1 of the submissions does not count toward it. Last evaluated 2026-02-11.

Conditions:
Hereditary cancer-predisposing syndrome. Also called: Tumor predisposition; Hereditary Cancer Syndrome; Hereditary neoplastic syndrome; Neoplastic Syndromes, Hereditary. Identifiers: Orphanet 140162, MedGen C0027672, MeSH D009386, MONDO:0015356.
Ataxia-telangiectasia syndrome (AT). Also called: LOUIS-BAR SYNDROME; Cerebello-oculocutaneous telangiectasia; Immunodeficiency with ataxia telangiectasia; ATAXIA-TELANGIECTASIA, COMPLEMENTATION GROUP A; ATAXIA-TELANGIECTASIA, FRESNO VARIANT; Ataxia-telangiectasia. Identifiers: Orphanet 100, MedGen C0004135, MONDO:0008840, OMIM 208900.

Submissions (6):

St. Jude Molecular Pathology, St. Jude Children's Research Hospital
Classification: Uncertain significance for Ataxia-telangiectasia syndrome. Last evaluated: 2026-02-11. Review status: criteria provided, single submitter. Criteria: St. Jude Assertion Criteria 2020. Collection method: clinical testing. Allele origin: germline.
Comment: The ATM c.539A>G p.(Gln180Arg) missense change is absent in gnomAD v2.1.1. The in silico tool REVEL predicts a benign effect on protein function, but to our knowledge this prediction has not been confirmed by functional studies. To our knowledge, this variant has not been reported in individuals with ataxia telangiectasia. In summary, the evidence currently available is insufficient to determine the clinical significance of this variant. It has therefore been classified as of uncertain significance.

Ambry Genetics
Classification: Uncertain significance for Hereditary cancer-predisposing syndrome. Last evaluated: 2025-11-04. Review status: criteria provided, single submitter. Criteria: Ambry Variant Classification Scheme 2023. Collection method: clinical testing. Allele origin: germline.
Comment: The p.Q180R variant (also known as c.539A>G), located in coding exon 5 of the ATM gene, results from an A to G substitution at nucleotide position 539. The glutamine at codon 180 is replaced by arginine, an amino acid with highly similar properties. This amino acid position is not well conserved in available vertebrate species. In addition, this alteration is predicted to be tolerated by in silico analysis. Since supporting evidence is limited at this time, the clinical significance of this alteration remains unclear.

Labcorp Genetics (formerly Invitae), Labcorp
Classification: Uncertain significance for Ataxia-telangiectasia syndrome. Last evaluated: 2025-06-02. Review status: criteria provided, single submitter. Criteria: Invitae Variant Classification Sherloc (09022015). Collection method: clinical testing. Allele origin: germline.
Comment: This sequence change replaces glutamine, which is neutral and polar, with arginine, which is basic and polar, at codon 180 of the ATM protein (p.Gln180Arg). This variant is not present in population databases (gnomAD no frequency). This variant has not been reported in the literature in individuals affected with ATM-related conditions. ClinVar contains an entry for this variant (Variation ID: 181911). Invitae Evidence Modeling of protein sequence and biophysical properties (such as structural, functional, and spatial information, amino acid conservation, physicochemical variation, residue mobility, and thermodynamic stability) indicates that this missense variant is not expected to disrupt ATM protein function with a negative predictive value of 95%. In summary, the available evidence is currently insufficient to determine the role of this variant in disease. Therefore, it has been classified as a Variant of Uncertain Significance.

Color Diagnostics, LLC DBA Color Health
Classification: Uncertain significance for Hereditary cancer-predisposing syndrome. Last evaluated: 2024-10-15. Review status: criteria provided, single submitter. Criteria: ACMG Guidelines, 2015. Collection method: clinical testing. Allele origin: germline.
Comment: This missense variant replaces glutamine with arginine at codon 180 of the ATM protein. Computational prediction suggests that this variant may not impact protein structure and function. To our knowledge, functional studies have not been reported for this variant. This variant has not been reported in individuals affected with ATM-related disorders in the literature. This variant has not been identified in the general population by the Genome Aggregation Database (gnomAD). The available evidence is insufficient to determine the role of this variant in disease conclusively. Therefore, this variant is classified as a Variant of Uncertain Significance.

GeneDx
Classification: Uncertain significance. Last evaluated: 2014-04-07. Review status: criteria provided, single submitter. Criteria: GeneDx Variant Classification (06012015). Collection method: clinical testing. Allele origin: germline. Affected: yes.
Comment: This variant is denoted ATM c.539A>G at the cDNA level, p.Gln180Arg (Q180R) at the protein level, and results in the change of a Glutamine to an Arginine (CAA>CGA). This variant has not, to our knowledge, been published in the literature as pathogenic or benign. ATM Gln180Arg was not observed in approximately 6,500 individuals of European and African American ancestry in the NHLBI Exome Sequencing Project, indicating it is not a common benign variant in these populations. Since Glutamine and Arginine differ in some properties, this is considered a semi-conservative amino acid substitution and may affect protein integrity. ATM Gln180Arg occurs at a position that is moderately conserved across species and is not located in a known functional domain. In silico analyses predict that this variant is unlikely to alter protein structure or function. Based on currently available information, it is unclear whether ATM Gln180Arg is pathogenic or benign. We consider it to be a variant of uncertain significance.

Natera, Inc.
Classification: Uncertain significance for Ataxia-telangiectasia. Last evaluated: 2020-02-26. Review status: no assertion criteria provided. Collection method: clinical testing. Allele origin: germline. Not counted in ClinVar's aggregate classification.